The following is an entry in ClinVar:

ClinVar aggregate classification (germline): Likely benign. Review status: criteria provided, multiple submitters, no conflicts (2 of 4 stars). 2 submissions from 2 submitters: Likely benign (2). Last evaluated 2024-11-14.

Conditions:
Renal cell carcinoma. Identifiers: Orphanet 217071, MedGen C0007134, MeSH D002292, MONDO:0005086, HP:0005584.
Papillary renal cell carcinoma type 1 (RCCP1). Also called: RENAL CELL CARCINOMA, PAPILLARY, 1, SOMATIC; Renal adenocarcinoma; Renal cell carcinoma 1; Renal cell carcinoma, somatic. Identifiers: Orphanet 47044, MedGen C1336839, OMIM 605074, HP:0011797.

Submissions (2):

Myriad Genetics, Inc.
Classification: Likely benign for Papillary renal cell carcinoma type 1. Last evaluated: 2024-11-14. Review status: criteria provided, single submitter. Criteria: Myriad Autosomal Dominant, Autosomal Recessive and X-Linked Classification Criteria (2023). Collection method: clinical testing. Allele origin: unknown.
Comment: This variant is considered likely benign. This variant is intronic and is not expected to impact mRNA splicing.

Labcorp Genetics (formerly Invitae), Labcorp
Classification: Likely benign for Renal cell carcinoma. Last evaluated: 2024-04-15. Review status: criteria provided, single submitter. Criteria: Invitae Variant Classification Sherloc (09022015). Collection method: clinical testing. Allele origin: germline.

NM_000245.4(MET):c.3935+8G>A

Gene: MET (MET proto-oncogene, receptor tyrosine kinase; plus strand). Cytogenetic location: 7q31.2.
Variant type: single nucleotide variant.
Coding change: c.3935+8G>A on transcript NM_000245.4 (MANE Select); 8 bases into the intron after coding-DNA position 3935, G replaced by A.
Molecular consequence: intron variant.
Genome position (GRCh38, 1-based): chr7:116,795,799, G>A. VCF-style: chr7-116795799-G-A. GRCh37 (hg19) VCF-style: chr7-116435853-G-A.
Other names: c.3989+8G>A (NM_001127500.3); c.2645+8G>A (NM_001324402.2).
Identifiers: ClinVar variation 1081294 (VCV001081294.10), dbSNP rs2117109392, ClinGen allele CA2499218671.
Genomic context (GRCh38, chr7:116,795,799, plus strand): 5'-TACTTGTTGCAAGGGAGAAGACTCCTACAACCCGAATACTGCCCAGACCCCTTGTAAGTA[G>A]TCTTTCTGTACCTCTTACGTTCTTTACTTTTACAGAAATGCCTGCCTTCAAAGGGTCTCT-3'